The following is an entry in ClinVar:

NM_032322.4(RNF135):c.575C>T (p.Thr192Ile)

Gene: RNF135 (ring finger protein 135; plus strand). Cytogenetic location: 17q11.2.
Variant type: single nucleotide variant.
Coding change: c.575C>T on transcript NM_032322.4 (MANE Select); coding-DNA position 575, C replaced by T.
Protein change: p.Thr192Ile; replaces threonine 192 with isoleucine.
Molecular consequence: missense variant. On other transcripts: intron variant (1).
Genome position (GRCh38, 1-based): chr17:30,988,002, C>T. VCF-style: chr17-30988002-C-T. GRCh37 (hg19) VCF-style: chr17-29315020-C-T.
Other names: c.575C>T, p.Thr192Ile (NM_001184992.2); c.516+3242C>T (NM_197939.2); short protein forms T192I.
Identifiers: ClinVar variation 1032948 (VCV001032948.1), dbSNP rs1907708509, ClinGen allele CA399202224.
Genomic context (GRCh38, chr17:30,988,002, plus strand): 5'-AGGCTTTTTCTTCTGGGGTGGATCTTTCCATGGCTTCTCCAAAGCTGGTGACTTCCGACA[C>T]AGCTGCAGGGAAAATCAGAGATATTCTCCATGACCTAGAAGAAATTCAGGAAAAATTACA-3'
Protein context (NP_115698.3, residues 182-202): MASPKLVTSD[Thr192Ile]AAGKIRDILH

ClinVar aggregate classification (germline): Uncertain significance (1 of 4 stars; one submission).

Conditions:
Chromosome 17q11.2 deletion syndrome, 1.4Mb. Also called: Chromosome 17q11.2 deletion syndrome, 1.4 MB; Overgrowth-macrocephaly-facial dysmorphism syndrome; NEUROFIBROMATOSIS 1 MICRODELETION SYNDROME; NF1 MICRODELETION SYNDROME; VAN ASPEREN SYNDROME. Identifiers: Orphanet 139474, Orphanet 636, Orphanet 97685, MedGen C5401456, MONDO:0013357, OMIM 613675.

Allele frequency attached by ClinVar (database versions not stated): gnomAD 0.00001.
gnomAD v4.1: 2 of 1,613,984 alleles (0.00012%); highest among the groups gnomAD compares: African/African-American, 0.0013%; no homozygotes.

Submission:

Baylor Genetics
Classification: Uncertain significance for Chromosome 17q11.2 deletion syndrome, 1.4Mb. Last evaluated: 2018-11-08. Review status: criteria provided, single submitter. Criteria: ACMG Guidelines, 2015. Collection method: clinical testing. Allele origin: unknown. Affected: yes.
Comment: This variant was determined to be of uncertain significance according to ACMG Guidelines, 2015 [PMID:25741868].